The following is an entry in ClinVar:

NM_022081.6(HPS4):c.976G>A (p.Gly326Arg)

Gene: HPS4 (HPS4 biogenesis of lysosomal organelles complex 3 subunit 2; minus strand). Cytogenetic location: 22q12.1.
Variant type: single nucleotide variant.
Coding change: c.976G>A on transcript NM_022081.6 (MANE Select); coding-DNA position 976, G replaced by A.
Protein change: p.Gly326Arg; replaces glycine 326 with arginine.
Molecular consequence: missense variant. On other transcripts: non-coding transcript variant (8).
Genome position (GRCh38, 1-based): chr22:26,464,654, C>T on the plus strand (G>A on the coding strand, the complement: HPS4 is on the minus strand). VCF-style: chr22-26464654-C-T. GRCh37 (hg19) VCF-style: chr22-26860620-C-T.
Other names: c.976G>A, p.Gly326Arg (NM_001349896.1, NM_001349898.2, NM_001349899.2 and 5 more transcripts); c.1030G>A, p.Gly344Arg (NM_001349900.2, NM_001349901.1); c.961G>A, p.Gly321Arg (NM_152841.2); c.976G>A (NM_022081.4); short protein forms G321R, G326R, G344R.
Identifiers: ClinVar variation 1904606 (VCV001904606.5), dbSNP rs377326385, ClinGen allele CA10163430.

ClinVar aggregate classification (germline): Uncertain significance. Review status: criteria provided, multiple submitters, no conflicts (2 of 4 stars). 2 submissions from 2 submitters: Uncertain significance (2). Last evaluated 2025-07-30.

Conditions:
Inborn genetic diseases. Identifiers: MedGen C0950123, MeSH D030342.

Allele frequency attached by ClinVar (database versions not stated): ExAC 0.00002; TOPMed 0.00002; gnomAD 0.00003; ESP Exome Variant Server 0.00008.
gnomAD v4.1: 16 of 1,612,464 alleles (0.00099%); highest among the groups gnomAD compares: African/African-American, 0.0027%; no homozygotes.

Submissions (2):

Labcorp Genetics (formerly Invitae), Labcorp
Classification: Uncertain significance. Last evaluated: 2025-07-30. Review status: criteria provided, single submitter. Criteria: Invitae Variant Classification Sherloc (09022015). Collection method: clinical testing. Allele origin: germline.
Comment: This sequence change replaces glycine, which is neutral and non-polar, with arginine, which is basic and polar, at codon 326 of the HPS4 protein (p.Gly326Arg). This variant is present in population databases (rs377326385, gnomAD 0.003%). This variant has not been reported in the literature in individuals affected with HPS4-related conditions. ClinVar contains an entry for this variant (Variation ID: 1904606). An algorithm developed to predict the effect of missense changes on protein structure and function outputs the following: PolyPhen-2: "Benign". The arginine amino acid residue is found in multiple mammalian species, which suggests that this missense change does not adversely affect protein function. In summary, the available evidence is currently insufficient to determine the role of this variant in disease. Therefore, it has been classified as a Variant of Uncertain Significance.

Ambry Genetics
Classification: Uncertain significance for Inborn genetic diseases. Last evaluated: 2023-05-15. Review status: criteria provided, single submitter. Criteria: Ambry Variant Classification Scheme 2023. Collection method: clinical testing. Allele origin: germline.